The following is an entry in ClinVar:

ClinVar aggregate classification (germline): Uncertain significance (1 of 4 stars; one submission).

Allele frequency attached by ClinVar (database versions not stated): gnomAD 0.00001; TOPMed below 0.00001.
gnomAD v4.1: 28 of 1,610,358 alleles (0.0017%); highest among the groups gnomAD compares: Non-Finnish European, 0.0022%; no homozygotes.

Submission:

GeneDx
Classification: Uncertain significance. Last evaluated: 2021-04-21. Review status: criteria provided, single submitter. Criteria: GeneDx Variant Classification Process June 2021. Collection method: clinical testing. Allele origin: germline. Affected: yes.
Comment: Not observed in large population cohorts (Lek et al., 2016); Has not been previously published as pathogenic or benign to our knowledge; In-silico analysis, which includes splice predictors and evolutionary conservation, is inconclusive as to whether the variant alters gene splicing. In the absence of RNA/functional studies, the actual effect of this sequence change is unknown.

NM_033305.3(VPS13A):c.5340T>G (p.Gly1780=)

Gene: VPS13A (vacuolar protein sorting 13 homolog A; plus strand). Cytogenetic location: 9q21.2.
Variant type: single nucleotide variant.
Coding change: c.5340T>G on transcript NM_033305.3 (MANE Select); coding-DNA position 5340, T replaced by G.
Protein change: p.Gly1780=; no amino-acid change (glycine 1780 retained).
Molecular consequence: synonymous variant.
Genome position (GRCh38, 1-based): chr9:77,319,598, T>G. VCF-style: chr9-77319598-T-G. GRCh37 (hg19) VCF-style: chr9-79934514-T-G.
Other names: c.5223T>G, p.Gly1741= (NM_001018037.2); c.5340T>G, p.Gly1780= (NM_001018038.3, NM_015186.4).
Identifiers: ClinVar variation 1314793 (VCV001314793.2), dbSNP rs745891519, ClinGen allele CA465540008.
Genomic context (GRCh38, chr9:77,319,598, plus strand): 5'-AGATCATTTTTAATTTAAAAAATTCTCTCTGTAGGTGCATTATTATAATGAAATGTTTGG[T>G]GTATGGGAGCCTTTGCTTGAACCCTTAGAAATTGATCAGACTGAGGATTTTAGACCATGG-3'
Protein context (NP_150648.2, residues 1770-1790): LEVHYYNEMF[Gly1780=]VWEPLLEPLE